The following is an entry in ClinVar:

ClinVar aggregate classification (germline): Uncertain significance (1 of 4 stars; one submission).

Allele frequency attached by ClinVar (database versions not stated): 1000 Genomes Project 0.00020; 1000 Genomes Project 30x 0.00031; gnomAD 0.00094 and 0.00096; TOPMed 0.00096; ESP Exome Variant Server 0.00108.

Submission:

Labcorp Genetics (formerly Invitae), Labcorp
Classification: Uncertain significance. Last evaluated: 2025-11-23. Review status: criteria provided, single submitter. Criteria: Invitae Variant Classification Sherloc (09022015). Collection method: clinical testing. Allele origin: germline.
Comment: This sequence change replaces isoleucine, which is neutral and non-polar, with phenylalanine, which is neutral and non-polar, at codon 174 of the SLC7A13 protein (p.Ile174Phe). This variant is present in population databases (rs140320705, gnomAD 0.2%), and has an allele count higher than expected for a pathogenic variant. This missense change has been observed in individual(s) with an autosomal recessive neurodevelopmental condition (PMID: 22494076). ClinVar contains an entry for this variant (Variation ID: 1501144). An algorithm developed to predict the effect of missense changes on protein structure and function (PolyPhen-2) suggests that this variant is likely to be disruptive. In summary, the available evidence is currently insufficient to determine the role of this variant in disease. Therefore, it has been classified as a Variant of Uncertain Significance.

Literature cited by the submitters: PubMed 22494076.

NM_138817.3(SLC7A13):c.520A>T (p.Ile174Phe)

Gene: SLC7A13 (solute carrier family 7 member 13; minus strand). Cytogenetic location: 8q21.3.
Variant type: single nucleotide variant.
Coding change: c.520A>T on transcript NM_138817.3 (MANE Select); coding-DNA position 520, A replaced by T.
Protein change: p.Ile174Phe; replaces isoleucine 174 with phenylalanine.
Molecular consequence: missense variant.
Genome position (GRCh38, 1-based): chr8:86,229,758, T>A on the plus strand (A>T on the coding strand, the complement: SLC7A13 is on the minus strand). VCF-style: chr8-86229758-T-A. GRCh37 (hg19) VCF-style: chr8-87241987-T-A.
Other names: short protein forms I174F.
Identifiers: ClinVar variation 1501144 (VCV001501144.6), dbSNP rs140320705, ClinGen allele CA4797810.
Genomic context (GRCh38, chr8:86,229,758, plus strand): 5'-GAAATCGTTCTACATTCTCCTTTTTCCCTCTTATCAGGAACACTACTCCAGTTAGGGAAA[T>A]GAAGCTAAGTATGGACACTTTCAGCACTGAGCTAGCTATCTGAAGCCAAGTCACTTCTTT-3'
Protein context (NP_620172.2, residues 164-184): SVLKVSILSF[Ile174Phe]SLTGVVFLIR